The following is an entry in ClinVar:

ClinVar aggregate classification (germline): Uncertain significance. Review status: criteria provided, multiple submitters, no conflicts (2 of 4 stars). 2 submissions from 2 submitters: Uncertain significance (2). Last evaluated 2025-02-15.

Conditions:
Cardiovascular phenotype. Identifiers: MedGen CN230736.

Submissions (2):

Ambry Genetics
Classification: Uncertain significance for Cardiovascular phenotype. Last evaluated: 2025-02-15. Review status: criteria provided, single submitter. Criteria: Ambry Variant Classification Scheme 2023. Collection method: clinical testing. Allele origin: germline.
Comment: The p.G215S variant (also known as c.643G>A), located in coding exon 1 of the ZNF469 gene, results from a G to A substitution at nucleotide position 643. The glycine at codon 215 is replaced by serine, an amino acid with similar properties. This amino acid position is conserved. In addition, this alteration is predicted to be tolerated by in silico analysis. Based on the available evidence, the clinical significance of this variant remains unclear.

GeneDx
Classification: Uncertain significance. Last evaluated: 2024-09-10. Review status: criteria provided, single submitter. Criteria: GeneDx Variant Classification Process June 2021. Collection method: clinical testing. Allele origin: germline. Affected: yes.
Comment: Not observed at significant frequency in large population cohorts (gnomAD); In silico analysis indicates that this missense variant does not alter protein structure/function; Has not been previously published as pathogenic or benign to our knowledge

NM_001367624.2(ZNF469):c.643G>A (p.Gly215Ser)

Gene: ZNF469 (zinc finger protein 469; plus strand). Cytogenetic location: 16q24.2.
Variant type: single nucleotide variant.
Coding change: c.643G>A on transcript NM_001367624.2 (MANE Select); coding-DNA position 643, G replaced by A.
Protein change: p.Gly215Ser; replaces glycine 215 with serine.
Molecular consequence: missense variant.
Genome position (GRCh38, 1-based): chr16:88,428,113, G>A. VCF-style: chr16-88428113-G-A. GRCh37 (hg19) VCF-style: chr16-88494521-G-A.
Other names: NM_001127464.1:c.643G>A; short protein forms G215S.
Identifiers: ClinVar variation 3767516 (VCV003767516.2).